The following is an entry in ClinVar:

NM_001042492.3(NF1):c.1837A>G (p.Lys613Glu)

Gene: NF1 (neurofibromin 1; plus strand). Cytogenetic location: 17q11.2.
Variant type: single nucleotide variant.
Coding change: c.1837A>G on transcript NM_001042492.3 (MANE Select); coding-DNA position 1837, A replaced by G.
Protein change: p.Lys613Glu; replaces lysine 613 with glutamic acid.
Molecular consequence: missense variant.
Genome position (GRCh38, 1-based): chr17:31,223,559, A>G. VCF-style: chr17-31223559-A-G. GRCh37 (hg19) VCF-style: chr17-29550577-A-G.
Other names: c.1837A>G, p.Lys613Glu (NM_000267.4); short protein forms K613E.
Identifiers: ClinVar variation 3687945 (VCV003687945.2).
Genomic context (GRCh38, chr17:31,223,559, plus strand): 5'-AGCACAGAAATTCTCAAGTGGTTGCGGGAAATATTGATCTGCAGGAATAAATTTCTTCTT[A>G]AAAATAAGGTAAGCAAAATGACATATTTAAAAAATGGAAGAATATTTGGAATGGTAATGG-3'
Protein context (NP_001035957.1, residues 603-623): ILICRNKFLL[Lys613Glu]NKQADRSSCH

ClinVar aggregate classification (germline): Uncertain significance (1 of 4 stars; one submission).

Conditions:
Neurofibromatosis, type 1 (NF1). Also called: Peripheral type neurofibromatosis; Neurofibromatosis, type I; VON RECKLINGHAUSEN DISEASE; NEUROFIBROMATOSIS, TYPE I, SOMATIC. Identifiers: Orphanet 636, MedGen C0027831, MONDO:0018975, OMIM 162200. Disease mechanism: loss of function.

Submission:

Labcorp Genetics (formerly Invitae), Labcorp
Classification: Uncertain significance for Neurofibromatosis, type 1. Last evaluated: 2024-06-28. Review status: criteria provided, single submitter. Criteria: Invitae Variant Classification Sherloc (09022015). Collection method: clinical testing. Allele origin: germline.
Comment: This sequence change replaces lysine, which is basic and polar, with glutamic acid, which is acidic and polar, at codon 613 of the NF1 protein (p.Lys613Glu). This variant is not present in population databases (gnomAD no frequency). This variant has not been reported in the literature in individuals affected with NF1-related conditions. Advanced modeling of protein sequence and biophysical properties (such as structural, functional, and spatial information, amino acid conservation, physicochemical variation, residue mobility, and thermodynamic stability) has been performed at Invitae for this missense variant, however the output from this modeling did not meet the statistical confidence thresholds required to predict the impact of this variant on NF1 protein function. In summary, the available evidence is currently insufficient to determine the role of this variant in disease. Therefore, it has been classified as a Variant of Uncertain Significance.